The following is an entry in ClinVar:

ClinVar aggregate classification (germline): Uncertain significance. Review status: criteria provided, single submitter (1 of 4 stars). 2 submissions from 2 submitters: Uncertain significance (1). 1 of the submissions does not count toward it. Last evaluated 2024-07-12.

Conditions:
Retinal dystrophy. Also called: Inherited retinal dystrophy. Identifiers: Orphanet 71862, MedGen C0854723, MeSH D058499, MONDO:0019118, HP:0000556.

gnomAD v4.1: 3 of 1,611,248 alleles (0.00019%); highest among the groups gnomAD compares: East Asian, 0.0067%; no homozygotes.

Submissions (2):

Labcorp Genetics (formerly Invitae), Labcorp
Classification: Uncertain significance. Last evaluated: 2024-07-12. Review status: criteria provided, single submitter. Criteria: Invitae Variant Classification Sherloc (09022015). Collection method: clinical testing. Allele origin: germline.
Comment: This sequence change replaces glycine, which is neutral and non-polar, with aspartic acid, which is acidic and polar, at codon 412 of the KCNV2 protein (p.Gly412Asp). The frequency data for this variant in the population databases is considered unreliable, as metrics indicate poor data quality at this position in the gnomAD database. This variant has not been reported in the literature in individuals affected with KCNV2-related conditions. Advanced modeling of protein sequence and biophysical properties (such as structural, functional, and spatial information, amino acid conservation, physicochemical variation, residue mobility, and thermodynamic stability) performed at Invitae indicates that this missense variant is expected to disrupt KCNV2 protein function with a positive predictive value of 80%. In summary, the available evidence is currently insufficient to determine the role of this variant in disease. Therefore, it has been classified as a Variant of Uncertain Significance.

Institute of Human Genetics, Univ. Regensburg, Univ. Regensburg
Classification: Uncertain significance for Retinal dystrophy. Last evaluated: 2022-01-01. Review status: no assertion criteria provided. Criteria: ACMG Guidelines, 2015. Collection method: clinical testing. Allele origin: germline. Affected: yes. Not counted in ClinVar's aggregate classification.

NM_133497.4(KCNV2):c.1235G>A (p.Gly412Asp)

Gene: KCNV2 (potassium voltage-gated channel modifier subfamily V member 2; plus strand). Cytogenetic location: 9p24.2.
Variant type: single nucleotide variant.
Coding change: c.1235G>A on transcript NM_133497.4 (MANE Select); coding-DNA position 1235, G replaced by A.
Protein change: p.Gly412Asp; replaces glycine 412 with aspartic acid.
Molecular consequence: missense variant.
Genome position (GRCh38, 1-based): chr9:2,718,974, G>A. VCF-style: chr9-2718974-G-A. GRCh37 (hg19) VCF-style: chr9-2718974-G-A.
Other names: short protein forms G412D.
Identifiers: ClinVar variation 3249200 (VCV003249200.3).